The following is an entry in ClinVar:

NM_003737.4(DCHS1):c.8264G>C (p.Arg2755Pro)

Gene: DCHS1 (dachsous cadherin-related 1; minus strand). Cytogenetic location: 11p15.4.
Variant type: single nucleotide variant.
Coding change: c.8264G>C on transcript NM_003737.4 (MANE Select); coding-DNA position 8264, G replaced by C.
Protein change: p.Arg2755Pro; replaces arginine 2755 with proline.
Molecular consequence: missense variant.
Genome position (GRCh38, 1-based): chr11:6,623,412, C>G on the plus strand (G>C on the coding strand, the complement: DCHS1 is on the minus strand). VCF-style: chr11-6623412-C-G. GRCh37 (hg19) VCF-style: chr11-6644643-C-G.
Other names: short protein forms R2755P.
Identifiers: ClinVar variation 4774828 (VCV004774828.1).

ClinVar aggregate classification (germline): Uncertain significance (1 of 4 stars; one submission).

gnomAD v4.1: 1 of 1,591,534 alleles (0.000063%); highest among the groups gnomAD compares: Admixed American, 0.0018%; no homozygotes.

Submission:

Labcorp Genetics (formerly Invitae), Labcorp
Classification: Uncertain significance. Last evaluated: 2025-07-16. Review status: criteria provided, single submitter. Criteria: Invitae Variant Classification Sherloc (09022015). Collection method: clinical testing. Allele origin: germline.
Comment: This sequence change replaces arginine, which is basic and polar, with proline, which is neutral and non-polar, at codon 2755 of the DCHS1 protein (p.Arg2755Pro). The frequency data for this variant in the population databases is considered unreliable, as metrics indicate poor data quality at this position in the gnomAD database. This variant has not been reported in the literature in individuals affected with DCHS1-related conditions. Invitae Evidence Modeling of protein sequence and biophysical properties (such as structural, functional, and spatial information, amino acid conservation, physicochemical variation, residue mobility, and thermodynamic stability) indicates that this missense variant is expected to disrupt DCHS1 protein function with a positive predictive value of 80%. In summary, the available evidence is currently insufficient to determine the role of this variant in disease. Therefore, it has been classified as a Variant of Uncertain Significance.